The following is an entry in ClinVar:

ClinVar aggregate classification (germline): Uncertain significance (1 of 4 stars; one submission).

Submission:

Women's Health and Genetics/Laboratory Corporation of America, LabCorp
Classification: Uncertain significance. Last evaluated: 2023-11-08. Review status: criteria provided, single submitter. Criteria: LabCorp Variant Classification Summary - May 2015. Collection method: clinical testing. Allele origin: germline.
Comment: Variant summary: The variant involves the duplication of exon 34 in the DMD gene. A presumed nomenclature of c.(4674+1_4675-1)_(4845+1_4846-1)dup has been designated for the purposes of this classification. It is assumed to be a tandem duplication in direct orientation (Richardson_GIM_2018, Newman_AJHG_2015). This Copy Number Variant (CNV) is predicted to result in an in-frame duplication within this gene. The variant was absent in 16120 control chromosomes. The available data on variant occurrences in the general population are insufficient to allow any conclusion about variant significance. c.(4674+1_4675-1)_(4845+1_4846-1)dup has been reported in the literature in at least one individual affected with Dystrophinopathies (Sansovic_2013, Li_2015). These data do not allow any conclusion about variant significance. To our knowledge, no experimental evidence demonstrating an impact on protein function has been reported. The following publications have been ascertained in the context of this evaluation (PMID: 8452597, 23224783, 25612904). One submitter has cited clinical-significance assessments for this variant to ClinVar after 2014 and has classified the variant as uncertain significance. Based on the evidence outlined above, the variant was classified as VUS-possibly pathogenic.

Literature cited by the submitters: PubMed 25612904; PubMed 8452597; PubMed 23224783.

NC_000023.10:g.(32383317_32398626)_(32398798_32404426)dup

Gene: DMD (dystrophin; minus strand). Cytogenetic location: Xp21.1.
Variant type: Duplication.
Identifiers: ClinVar variation 2682402 (VCV002682402.1).